The following is an entry in ClinVar:

NM_032043.3(BRIP1):c.1340+9A>G

Gene: BRIP1 (BRCA1 interacting DNA helicase 1; minus strand). Cytogenetic location: 17q23.2.
Variant type: single nucleotide variant.
Coding change: c.1340+9A>G on transcript NM_032043.3 (MANE Select); 9 bases into the intron after coding-DNA position 1340, A replaced by G.
Molecular consequence: intron variant.
Genome position (GRCh38, 1-based): chr17:61,799,091, T>C on the plus strand (A>G on the coding strand, the complement: BRIP1 is on the minus strand). VCF-style: chr17-61799091-T-C. GRCh37 (hg19) VCF-style: chr17-59876452-T-C.
Identifiers: ClinVar variation 643724 (VCV000643724.6), dbSNP rs376487588, ClinGen allele CA8690760.

ClinVar aggregate classification (germline): Uncertain significance (1 of 4 stars; one submission).

Conditions:
Familial cancer of breast. Also called: hereditary breast carcinoma; BREAST CANCER, FAMILIAL; Hereditary breast cancer. Identifiers: Orphanet 227535, MedGen C0346153, MONDO:0016419, OMIM 114480. Disease mechanism: loss of function.
Fanconi anemia complementation group J. Also called: BRIP1-Related Fanconi Anemia. Identifiers: Orphanet 84, MedGen C1836860, MONDO:0012187, OMIM 609054.

Allele frequency attached by ClinVar (database versions not stated): TOPMed 0.00001; ESP Exome Variant Server 0.00008; gnomAD 0.00001.
gnomAD v4.1: 2 of 1,607,270 alleles (0.00012%); highest among the groups gnomAD compares: Non-Finnish European, 0.00017%; no homozygotes.

Submission:

Labcorp Genetics (formerly Invitae), Labcorp
Classification: Uncertain significance for Familial cancer of breast; Fanconi anemia complementation group J. Last evaluated: 2025-06-29. Review status: criteria provided, single submitter. Criteria: Invitae Variant Classification Sherloc (09022015). Collection method: clinical testing. Allele origin: germline.
Comment: This sequence change falls in intron 9 of the BRIP1 gene. It does not directly change the encoded amino acid sequence of the BRIP1 protein. This variant is present in population databases (rs376487588, gnomAD 0.0009%). This variant has not been reported in the literature in individuals affected with BRIP1-related conditions. ClinVar contains an entry for this variant (Variation ID: 643724). Algorithms developed to predict the effect of sequence changes on RNA splicing suggest that this variant may disrupt the consensus splice site. In summary, the available evidence is currently insufficient to determine the role of this variant in disease. Therefore, it has been classified as a Variant of Uncertain Significance.